The following is an entry in ClinVar:

ClinVar aggregate classification (germline): Uncertain significance (1 of 4 stars; one submission).

Submission:

Mayo Clinic Laboratories, Mayo Clinic
Classification: Uncertain significance. Last evaluated: 2025-12-12. Review status: criteria provided, single submitter. Criteria: ACMG Guidelines, 2015. Collection method: clinical testing. Allele origin: germline. Observed: 1 variant allele.
Comment: PM2_supporting

NM_003114.5(SPAG1):c.2057T>C (p.Leu686Pro)

Gene: SPAG1 (sperm associated antigen 1; plus strand). Cytogenetic location: 8q22.2.
Variant type: single nucleotide variant.
Coding change: c.2057T>C on transcript NM_003114.5 (MANE Select); coding-DNA position 2057, T replaced by C.
Protein change: p.Leu686Pro; replaces leucine 686 with proline.
Molecular consequence: missense variant.
Genome position (GRCh38, 1-based): chr8:100,233,479, T>C. VCF-style: chr8-100233479-T-C. GRCh37 (hg19) VCF-style: chr8-101245707-T-C.
Other names: p.Leu686Pro; c.2057T>C, p.Leu686Pro (NM_001374321.1, NM_172218.3); short protein forms L686P.
Identifiers: ClinVar variation 4541392 (VCV004541392.1).